The following is an entry in ClinVar:

ClinVar aggregate classification (germline): Uncertain significance (1 of 4 stars; one submission).

gnomAD v4.1: 1 of 1,614,036 alleles (0.000062%); no homozygotes.

Submission:

Labcorp Genetics (formerly Invitae), Labcorp
Classification: Uncertain significance. Last evaluated: 2024-03-11. Review status: criteria provided, single submitter. Criteria: Invitae Variant Classification Sherloc (09022015). Collection method: clinical testing. Allele origin: germline.
Comment: This sequence change replaces histidine, which is basic and polar, with proline, which is neutral and non-polar, at codon 1768 of the KMT2E protein (p.His1768Pro). This variant is not present in population databases (gnomAD no frequency). This variant has not been reported in the literature in individuals affected with KMT2E-related conditions. ClinVar contains an entry for this variant (Variation ID: 1719518). An algorithm developed to predict the effect of missense changes on protein structure and function (PolyPhen-2) suggests that this variant is likely to be tolerated. In summary, the available evidence is currently insufficient to determine the role of this variant in disease. Therefore, it has been classified as a Variant of Uncertain Significance.

NM_182931.3(KMT2E):c.5303A>C (p.His1768Pro)

Gene: KMT2E (lysine methyltransferase 2E (inactive); plus strand). Cytogenetic location: 7q22.3.
Variant type: single nucleotide variant.
Coding change: c.5303A>C on transcript NM_182931.3 (MANE Select); coding-DNA position 5303, A replaced by C.
Protein change: p.His1768Pro; replaces histidine 1768 with proline.
Molecular consequence: missense variant.
Genome position (GRCh38, 1-based): chr7:105,113,059, A>C. VCF-style: chr7-105113059-A-C. GRCh37 (hg19) VCF-style: chr7-104753506-A-C.
Other names: c.5177A>C, p.His1726Pro (NM_001410908.1); c.5303A>C, p.His1768Pro (NM_018682.4); short protein forms H1726P, H1768P.
Identifiers: ClinVar variation 1719518 (VCV001719518.5), dbSNP rs1799397651, ClinGen allele CA368794912.